The following is an entry in ClinVar:

ClinVar aggregate classification (germline): Likely pathogenic (1 of 4 stars; one submission).

Conditions:
Cardiovascular phenotype. Identifiers: MedGen CN230736.

Submission:

Ambry Genetics
Classification: Likely pathogenic for Cardiovascular phenotype. Last evaluated: 2026-03-02. Review status: criteria provided, single submitter. Criteria: Ambry Variant Classification Scheme 2023. Collection method: clinical testing. Allele origin: germline.
Comment: The c.53486_53487insAlu likely pathogenic variant results from the insertion of an Alu element between nucleotides 53486 and 53487 in coding exon 153 of the TTN gene. This exon is located in the A-band region of the N2-B isoform of the titin protein and is constitutively expressed in TTN transcripts (percent spliced in or PSI 100%). Mobile element insertions contribute to pathogenicity by either disrupting the coding sequence or inducing aberrant splicing (Belancio VP et al. Semin. Cancer Biol. 2010 Aug;20:200-10; Deininger P et al. Genome Biol. 2011 Dec;12:236; van der Klift HM Hum Mutat. 2012 Jul;33(7):1051-5). This variant is expected to result in loss of function by premature protein truncation or nonsense-mediated mRNA decay. While truncating variants in TTN are present in 1-3% of the general population, truncating variants in the A-band are the most common cause of dilated cardiomyopathy (Herman DS et al. N. Engl. J. Med., 2012 Feb;366:619-28; Roberts AM et al. Sci Transl Med, 2015 Jan;7:270ra6). TTN truncating variants encoded in constitutive exons (PSI >90%) have been found to be significantly associated with DCM regardless of their position in titin (Schafer S et al. Nat. Genet., 2017 01;49:46-53; Akhtar MM et al. Circ Heart Fail, 2020 Oct;13:e006832; Massier M et al. Clin Genet, 2025 Jan). Based on the majority of available evidence to date, this variant is likely to be pathogenic.

NM_003319.4:c.53486_53487insALU

Gene: TTN (titin; minus strand).
Variant type: Insertion.
Other names: c.53486_53487insALU (NM_003319.4).
Identifiers: ClinVar variation 4827044 (VCV004827044.1).